The following is an entry in ClinVar:

NM_000064.4(C3):c.3581A>G (p.Tyr1194Cys)

Gene: C3 (complement C3; minus strand). Cytogenetic location: 19p13.3.
Variant type: single nucleotide variant.
Coding change: c.3581A>G on transcript NM_000064.4 (MANE Select); coding-DNA position 3581, A replaced by G.
Protein change: p.Tyr1194Cys; replaces tyrosine 1194 with cysteine.
Molecular consequence: missense variant.
Genome position (GRCh38, 1-based): chr19:6,686,811, T>C on the plus strand (A>G on the coding strand, the complement: C3 is on the minus strand). VCF-style: chr19-6686811-T-C. GRCh37 (hg19) VCF-style: chr19-6686822-T-C.
Other names: c.3581A>G (NM_000064.2); short protein forms Y1194C.
Identifiers: ClinVar variation 1479961 (VCV001479961.7), dbSNP rs1918020074, ClinGen allele CA403620998.

ClinVar aggregate classification (germline): Uncertain significance. Review status: criteria provided, multiple submitters, no conflicts (2 of 4 stars). 2 submissions from 2 submitters: Uncertain significance (2). Last evaluated 2025-06-16.

Conditions:
Inborn genetic diseases. Identifiers: MedGen C0950123, MeSH D030342.

Submissions (2):

Ambry Genetics
Classification: Uncertain significance for Inborn genetic diseases. Last evaluated: 2025-06-16. Review status: criteria provided, single submitter. Criteria: Ambry Variant Classification Scheme 2023. Collection method: clinical testing. Allele origin: germline.

Labcorp Genetics (formerly Invitae), Labcorp
Classification: Uncertain significance. Last evaluated: 2022-09-12. Review status: criteria provided, single submitter. Criteria: Invitae Variant Classification Sherloc (09022015). Collection method: clinical testing. Allele origin: germline.
Comment: In summary, the available evidence is currently insufficient to determine the role of this variant in disease. Therefore, it has been classified as a Variant of Uncertain Significance. Advanced modeling of protein sequence and biophysical properties (such as structural, functional, and spatial information, amino acid conservation, physicochemical variation, residue mobility, and thermodynamic stability) performed at Invitae indicates that this missense variant is expected to disrupt C3 protein function. ClinVar contains an entry for this variant (Variation ID: 1479961). This variant has not been reported in the literature in individuals affected with C3-related conditions. This variant is not present in population databases (gnomAD no frequency). This sequence change replaces tyrosine, which is neutral and polar, with cysteine, which is neutral and slightly polar, at codon 1194 of the C3 protein (p.Tyr1194Cys).